The following is an entry in ClinVar:

NM_002444.3(MSN):c.1511G>T (p.Ser504Ile)

Gene: MSN (moesin; plus strand). Cytogenetic location: Xq12.
Variant type: single nucleotide variant.
Coding change: c.1511G>T on transcript NM_002444.3 (MANE Select); coding-DNA position 1511, G replaced by T.
Protein change: p.Ser504Ile; replaces serine 504 with isoleucine.
Molecular consequence: missense variant.
Genome position (GRCh38, 1-based): chrX:65,739,136, G>T. VCF-style: chrX-65739136-G-T. GRCh37 (hg19) VCF-style: chrX-64958998-G-T.
Other names: c.1514G>T, p.Ser505Ile (NM_001440778.1); short protein forms S505I, S504I.
Identifiers: ClinVar variation 4724932 (VCV004724932.1).
Genomic context (GRCh38, chrX:65,739,136, plus strand): 5'-ATGAGAATGGGGCAGAGGCTAGTGCTGACCTACGGGCTGATGCTATGGCCAAGGACCGCA[G>T]TGAGGAGGAACGTACCACTGAGGCAGAGAAGAATGAGCGTGTGCAGAAGCACCTGAAGGT-3'
Protein context (NP_002435.1, residues 494-514): LRADAMAKDR[Ser504Ile]EEERTTEAEK

ClinVar aggregate classification (germline): Uncertain significance (1 of 4 stars; one submission).

Submission:

Labcorp Genetics (formerly Invitae), Labcorp
Classification: Uncertain significance. Last evaluated: 2025-08-06. Review status: criteria provided, single submitter. Criteria: Invitae Variant Classification Sherloc (09022015). Collection method: clinical testing. Allele origin: germline.
Comment: This sequence change replaces serine, which is neutral and polar, with isoleucine, which is neutral and non-polar, at codon 504 of the MSN protein (p.Ser504Ile). This variant is not present in population databases (gnomAD no frequency). This variant has not been reported in the literature in individuals affected with MSN-related conditions. An algorithm developed to predict the effect of missense changes on protein structure and function (PolyPhen-2) suggests that this variant is likely to be tolerated. In summary, the available evidence is currently insufficient to determine the role of this variant in disease. Therefore, it has been classified as a Variant of Uncertain Significance.